The following is an entry in ClinVar:

NM_006031.6(PCNT):c.7297T>C (p.Ser2433Pro)

Gene: PCNT (pericentrin; plus strand). Cytogenetic location: 21q22.3.
Variant type: single nucleotide variant.
Coding change: c.7297T>C on transcript NM_006031.6 (MANE Select); coding-DNA position 7297, T replaced by C.
Protein change: p.Ser2433Pro; replaces serine 2433 with proline.
Molecular consequence: missense variant.
Genome position (GRCh38, 1-based): chr21:46,425,948, T>C. VCF-style: chr21-46425948-T-C. GRCh37 (hg19) VCF-style: chr21-47845862-T-C.
Other names: c.6943T>C, p.Ser2315Pro (NM_001315529.2); short protein forms S2433P, S2315P.
Identifiers: ClinVar variation 159654 (VCV000159654.13), dbSNP rs113536916, ClinGen allele CA251103.

ClinVar aggregate classification (germline): Uncertain significance. Review status: criteria provided, multiple submitters, no conflicts (2 of 4 stars). 3 submissions from 3 submitters: Uncertain significance (2). 1 of the submissions does not count toward it. Last evaluated 2024-05-22.

Conditions:
Microcephalic osteodysplastic primordial dwarfism type II (MOPD2). Also called: Microcephalic osteodysplastic primordial dwarfism with tooth abnormalities; MOPD II; OSTEODYSPLASTIC PRIMORDIAL DWARFISM, TYPE II. Identifiers: Orphanet 2637, MedGen C0432246, MONDO:0008872, OMIM 210720.
PCNT-related disorder. Also called: PCNT-related condition.

Allele frequency attached by ClinVar (database versions not stated): gnomAD exomes 0.00003 and 0.00007; ExAC 0.00006; 1000 Genomes Project 30x 0.00016; gnomAD 0.00019 and 0.00029; 1000 Genomes Project 0.00020; ESP Exome Variant Server 0.00023; TOPMed 0.00023.
gnomAD v4.1: 124 of 1,614,054 alleles (0.0077%); highest among the groups gnomAD compares: African/African-American, 0.1%; 2 homozygotes.

Submissions (3):

Labcorp Genetics (formerly Invitae), Labcorp
Classification: Uncertain significance. Last evaluated: 2024-05-22. Review status: criteria provided, single submitter. Criteria: Invitae Variant Classification Sherloc (09022015). Collection method: clinical testing. Allele origin: germline.
Comment: This sequence change replaces serine, which is neutral and polar, with proline, which is neutral and non-polar, at codon 2433 of the PCNT protein (p.Ser2433Pro). This variant is present in population databases (rs113536916, gnomAD 0.09%). This variant has not been reported in the literature in individuals affected with PCNT-related conditions. ClinVar contains an entry for this variant (Variation ID: 159654). An algorithm developed to predict the effect of missense changes on protein structure and function (PolyPhen-2) suggests that this variant¬†is likely to be tolerated. In summary, the available evidence is currently insufficient to determine the role of this variant in disease. Therefore, it has been classified as a Variant of Uncertain Significance.

Genetic Services Laboratory, University of Chicago
Classification: Uncertain significance for Microcephalic osteodysplastic primordial dwarfism, type II. Last evaluated: 2014-04-29. Review status: criteria provided, single submitter. Criteria: ACMG Guidelines, 2007. Collection method: clinical testing. Allele origin: germline. Inheritance: Autosomal recessive inheritance.

PreventionGenetics, part of Exact Sciences
Classification: Likely benign for PCNT-related condition. Last evaluated: 2024-01-29. Review status: no assertion criteria provided. Collection method: clinical testing. Allele origin: germline. Not counted in ClinVar's aggregate classification.
Comment: This variant is classified as likely benign based on ACMG/AMP sequence variant interpretation guidelines (Richards et al. 2015 PMID: 25741868, with internal and published modifications).